The following is an entry in ClinVar:

NM_001191061.2(SLC25A22):c.413-7T>C

Gene: SLC25A22 (solute carrier family 25 member 22; minus strand). Cytogenetic location: 11p15.5.
Variant type: single nucleotide variant.
Coding change: c.413-7T>C on transcript NM_001191061.2 (MANE Select); 7 bases into the intron before coding-DNA position 413, T replaced by C.
Molecular consequence: intron variant.
Genome position (GRCh38, 1-based): chr11:792,734, A>G on the plus strand (T>C on the coding strand, the complement: SLC25A22 is on the minus strand). VCF-style: chr11-792734-A-G. GRCh37 (hg19) VCF-style: chr11-792734-A-G.
Other names: c.413-7T>C (NM_001191060.2, NM_024698.6).
Identifiers: ClinVar variation 389022 (VCV000389022.53), dbSNP rs969941249, ClinGen allele CA16607026.

ClinVar aggregate classification (germline): Conflicting classifications of pathogenicity. Review status: criteria provided, conflicting classifications (1 of 4 stars). 3 submissions from 3 submitters: Uncertain significance (1); Likely benign (2). Last evaluated 2025-10-06.

Conditions:
Early-infantile DEE. Also called: Early infantile epileptic encephalopathy; Ohtahara syndrome; Early infantile epileptic encephalopathy with suppression bursts. Identifiers: Orphanet 1934, MedGen C0393706, MONDO:0800491.

Allele frequency attached by ClinVar (database versions not stated): gnomAD exomes 0.00002; TOPMed 0.00002.

Submissions (3):

Labcorp Genetics (formerly Invitae), Labcorp
Classification: Likely benign for Early-infantile DEE. Last evaluated: 2025-10-06. Review status: criteria provided, single submitter. Criteria: Invitae Variant Classification Sherloc (09022015). Collection method: clinical testing. Allele origin: germline.

CeGaT Center for Human Genetics Tuebingen
Classification: Uncertain significance. Last evaluated: 2016-10-01. Review status: criteria provided, single submitter. Criteria: CeGaT Center For Human Genetics Tuebingen Variant Classification Criteria Version 2. Collection method: clinical testing. Allele origin: germline. Affected: yes. Observed: 1 variant allele.

GeneDx
Classification: Likely benign. Last evaluated: 2016-09-08. Review status: criteria provided, single submitter. Criteria: GeneDx Variant Classification (06012015). Collection method: clinical testing. Allele origin: germline. Affected: yes.
Comment: This variant is considered likely benign or benign based on one or more of the following criteria: it is a conservative change, it occurs at a poorly conserved position in the protein, it is predicted to be benign by multiple in silico algorithms, and/or has population frequency not consistent with disease.